The following is an entry in ClinVar:

NM_020778.5(ALPK3):c.4332C>G (p.Ile1444Met)

Gene: ALPK3 (alpha kinase 3; plus strand). Cytogenetic location: 15q25.3.
Variant type: single nucleotide variant.
Coding change: c.4332C>G on transcript NM_020778.5 (MANE Select); coding-DNA position 4332, C replaced by G.
Protein change: p.Ile1444Met; replaces isoleucine 1444 with methionine.
Molecular consequence: missense variant.
Genome position (GRCh38, 1-based): chr15:84,862,837, C>G. VCF-style: chr15-84862837-C-G. GRCh37 (hg19) VCF-style: chr15-85406068-C-G.
Other names: short protein forms I1444M.
Identifiers: ClinVar variation 4044503 (VCV004044503.1).
Genomic context (GRCh38, chr15:84,862,837, plus strand): 5'-CCAGGCCAAGGTCATCTACGGGCTGGAACCCATCTTCGAGTCGGGCCGCACGTGCATCAT[C>G]AAGGTGTCCAGCCTGCTTGTGTTTGGGCCCAGCAGTGAGACTTCTCTTGTGGGCAGAAAC-3'
Protein context (NP_065829.4, residues 1434-1454): PIFESGRTCI[Ile1444Met]KVSSLLVFGP

ClinVar aggregate classification (germline): Uncertain significance (1 of 4 stars; one submission).

Conditions:
Cardiovascular phenotype. Identifiers: MedGen CN230736.

Submission:

Ambry Genetics
Classification: Uncertain significance for Cardiovascular phenotype. Last evaluated: 2025-03-25. Review status: criteria provided, single submitter. Criteria: Ambry Variant Classification Scheme 2023. Collection method: clinical testing. Allele origin: germline.
Comment: The p.I1646M variant (also known as c.4938C>G), located in coding exon 10 of the ALPK3 gene, results from a C to G substitution at nucleotide position 4938. The isoleucine at codon 1646 is replaced by methionine, an amino acid with highly similar properties. This amino acid position is conserved. In addition, this alteration is predicted to be tolerated by in silico analysis. Based on the available evidence, the clinical significance of this variant remains unclear.